The following is an entry in ClinVar:

ClinVar aggregate classification (germline): Conflicting classifications of pathogenicity. Review status: criteria provided, conflicting classifications (1 of 4 stars). 4 submissions from 4 submitters: Likely pathogenic (3); Uncertain significance (1). Last evaluated 2025-06-26.

Conditions:
Inherited Immunodeficiency Diseases. Identifiers: MedGen C5197805, MeSH D000081207.
Pancytopenia due to IKZF1 mutations. Also called: Immunodeficiency, common variable, 13. Identifiers: Orphanet 317473, MedGen C4225173, MONDO:0014810, OMIM 616873.

Allele frequency attached by ClinVar (database versions not stated): gnomAD 0.00001.
gnomAD v4.1: 1 of 1,611,482 alleles (0.000062%); highest among the groups gnomAD compares: Non-Finnish European, 0.000085%; no homozygotes.

Submissions (4):

GeneDx
Classification: Likely pathogenic. Last evaluated: 2025-06-26. Review status: criteria provided, single submitter. Criteria: GeneDx Variant Classification Process June 2021. Collection method: clinical testing. Allele origin: germline. Affected: yes.
Comment: Not observed at significant frequency in large population cohorts (gnomAD); In silico analysis supports that this missense variant has a deleterious effect on protein structure/function; This variant is associated with the following publications: (PMID: 32499645, 32531373)

Labcorp Genetics (formerly Invitae), Labcorp
Classification: Uncertain significance. Last evaluated: 2024-03-26. Review status: criteria provided, single submitter. Criteria: Invitae Variant Classification Sherloc (09022015). Collection method: clinical testing. Allele origin: germline.
Comment: This sequence change replaces arginine, which is basic and polar, with tryptophan, which is neutral and slightly polar, at codon 184 of the IKZF1 protein (p.Arg184Trp). This variant is not present in population databases (gnomAD no frequency). This missense change has been observed in individual(s) with primary immunodeficiency (PMID: 32499645, 32531373). ClinVar contains an entry for this variant (Variation ID: 827712). Experimental studies and prediction algorithms are not available or were not evaluated, and the functional significance of this variant is currently unknown. In summary, the available evidence is currently insufficient to determine the role of this variant in disease. Therefore, it has been classified as a Variant of Uncertain Significance.

Department of Human Genetics, Hannover Medical School
Classification: Likely pathogenic for Pancytopenia due to IKZF1 mutations. Last evaluated: 2023-10-02. Review status: criteria provided, single submitter. Criteria: ACMG Guidelines, 2015. Collection method: clinical testing. Allele origin: germline. Inheritance: Autosomal dominant inheritance. Affected: yes.

NIHR Bioresource Rare Diseases, University of Cambridge
Classification: Likely pathogenic for Inherited Immunodeficiency Diseases. Last evaluated: 2019-01-01. Review status: criteria provided, single submitter. Criteria: ACMG Guidelines, 2015. Collection method: research. Allele origin: germline. Affected: yes. Observed: 1 heterozygote.

Literature cited by the submitters: PubMed 32499645 (cited by Labcorp Genetics (formerly Invitae), Labcorp); PubMed 32531373 (cited by Labcorp Genetics (formerly Invitae), Labcorp).

NM_006060.6(IKZF1):c.550C>T (p.Arg184Trp)

Gene: IKZF1 (IKAROS family zinc finger 1; plus strand). Cytogenetic location: 7p12.2.
Variant type: single nucleotide variant.
Coding change: c.550C>T on transcript NM_006060.6 (MANE Select); coding-DNA position 550, C replaced by T.
Protein change: p.Arg184Trp; replaces arginine 184 with tryptophan.
Molecular consequence: missense variant. On other transcripts: intron variant (6).
Genome position (GRCh38, 1-based): chr7:50,382,668, C>T. VCF-style: chr7-50382668-C-T. GRCh37 (hg19) VCF-style: chr7-50450366-C-T.
Other names: c.550C>T, p.Arg184Trp (NM_001220765.3, NM_001220768.2, NM_001291837.2); c.289C>T, p.Arg97Trp (NM_001220767.2, NM_001220770.2, NM_001291838.2 and 1 more transcripts); c.421+5875C>T (NM_001220771.2); c.161-4677C>T (NM_001291841.1, NM_001291842.1); c.161-9061C>T (NM_001291843.1, NM_001291844.1); c.161-17250C>T (NM_001291840.1); short protein forms R184W, R97W.
Identifiers: ClinVar variation 827712 (VCV000827712.7), dbSNP rs1584926038, ClinGen allele CA367531416.